The following is an entry in ClinVar:

NM_002691.4(POLD1):c.2884C>A (p.Leu962Met)

Gene: POLD1 (DNA polymerase delta 1, catalytic subunit; plus strand). Cytogenetic location: 19q13.33.
Variant type: single nucleotide variant.
Coding change: c.2884C>A on transcript NM_002691.4 (MANE Select); coding-DNA position 2884, C replaced by A.
Protein change: p.Leu962Met; replaces leucine 962 with methionine.
Molecular consequence: missense variant. On other transcripts: non-coding transcript variant (1).
Genome position (GRCh38, 1-based): chr19:50,416,459, C>A. VCF-style: chr19-50416459-C-A. GRCh37 (hg19) VCF-style: chr19-50919716-C-A.
Other names: c.2884C>A, p.Leu962Met (NM_001256849.1); c.2962C>A, p.Leu988Met (NM_001308632.1); short protein forms L988M, L962M.
Identifiers: ClinVar variation 3935578 (VCV003935578.1).

ClinVar aggregate classification (germline): Uncertain significance (1 of 4 stars; one submission).

Conditions:
Hereditary cancer-predisposing syndrome. Also called: Tumor predisposition; Hereditary neoplastic syndrome; Hereditary Cancer Syndrome; Neoplastic Syndromes, Hereditary. Identifiers: Orphanet 140162, MedGen C0027672, MeSH D009386, MONDO:0015356.

Submission:

Ambry Genetics
Classification: Uncertain significance for Hereditary cancer-predisposing syndrome. Last evaluated: 2025-05-16. Review status: criteria provided, single submitter. Criteria: Ambry Variant Classification Scheme 2023. Collection method: clinical testing. Allele origin: germline.
Comment: The p.L962M variant (also known as c.2884C>A), located in coding exon 22 of the POLD1 gene, results from a C to A substitution at nucleotide position 2884. The leucine at codon 962 is replaced by methionine, an amino acid with highly similar properties. This amino acid position is conserved. In addition, this alteration is predicted to be tolerated by in silico analysis. Based on the available evidence, the clinical significance of this variant remains unclear.